The following is an entry in ClinVar:

ClinVar aggregate classification (germline): Conflicting classifications of pathogenicity. Review status: criteria provided, conflicting classifications (1 of 4 stars). 5 submissions from 5 submitters: Uncertain significance (2); Likely benign (2). 1 of the submissions does not count toward it. Last evaluated 2026-02-01.

Conditions:
FANCD2-related disorder. Also called: FANCD2-related condition.
Fanconi anemia (FA). Also called: Fanconi's anemia. Identifiers: Orphanet 84, MedGen C0015625, MeSH D005199, MONDO:0019391.

Allele frequency attached by ClinVar (database versions not stated): gnomAD exomes 0.00010 and 0.00022; ExAC 0.00027; 1000 Genomes Project 0.00040; 1000 Genomes Project 30x 0.00062; ESP Exome Variant Server 0.00100; gnomAD 0.00105 and 0.00113; TOPMed 0.00114.
gnomAD v4.1: 308 of 1,613,496 alleles (0.019%); highest among the groups gnomAD compares: African/African-American, 0.38%; no homozygotes.

Submissions (5):

Labcorp Genetics (formerly Invitae), Labcorp
Classification: Likely benign for Fanconi anemia. Last evaluated: 2026-02-01. Review status: criteria provided, single submitter. Criteria: Invitae Variant Classification Sherloc (09022015). Collection method: clinical testing. Allele origin: germline.

GeneDx
Classification: Uncertain significance. Last evaluated: 2024-12-06. Review status: criteria provided, single submitter. Criteria: GeneDx Variant Classification Process June 2021. Collection method: clinical testing. Allele origin: germline. Affected: yes.
Comment: Identified in the presence of a second FANCD2 variant, phase unknown, in a patient with differences of sex development including micropenis and bilateral cryptorchidism (PMID: 36110220); In silico analysis indicates that this missense variant does not alter protein structure/function; This variant is associated with the following publications: (PMID: 36110220, 27153395)

Sema4
Classification: Likely benign for Fanconi anemia. Last evaluated: 2021-03-28. Review status: criteria provided, single submitter. Criteria: Sema4 Curation Guidelines. Collection method: curation. Allele origin: germline.

Genomic Diagnostic Laboratory, Division of Genomic Diagnostics, Children's Hospital of Philadelphia
Classification: Uncertain significance. Last evaluated: 2015-08-07. Review status: criteria provided, single submitter. Criteria: DGD Variant Analysis Guidelines. Collection method: clinical testing. Allele origin: unknown.

PreventionGenetics, part of Exact Sciences
Classification: Likely benign for FANCD2-related condition. Last evaluated: 2022-09-23. Review status: no assertion criteria provided. Collection method: clinical testing. Allele origin: germline. Not counted in ClinVar's aggregate classification.
Comment: This variant is classified as likely benign based on ACMG/AMP sequence variant interpretation guidelines (Richards et al. 2015 PMID: 25741868, with internal and published modifications).

Literature cited by the submitters: PubMed 27153395 (cited by Sema4).

NM_001018115.3(FANCD2):c.986C>G (p.Ala329Gly)

Genes: FANCD2 (FA complementation group D2; plus strand), LOC107303338 (3p25 FANCD2 Alu-mediated recombination region; plus strand). Cytogenetic location: 3p25.3.
Variant type: single nucleotide variant.
Coding change: c.986C>G on transcript NM_001018115.3 (MANE Select); coding-DNA position 986, C replaced by G.
Protein change: p.Ala329Gly; replaces alanine 329 with glycine.
Molecular consequence: missense variant.
Genome position (GRCh38, 1-based): chr3:10,043,147, C>G. VCF-style: chr3-10043147-C-G. GRCh37 (hg19) VCF-style: chr3-10084831-C-G.
Other names: c.986C>G, p.Ala329Gly (NM_001319984.2, NM_001374253.1, NM_001374254.1 and 1 more transcripts); c.986C>G (NM_001018115.2); short protein forms A329G.
Identifiers: ClinVar variation 241740 (VCV000241740.18), dbSNP rs116736407, ClinGen allele CA2249427.